The following is an entry in ClinVar:

NM_005763.4(AASS):c.1678C>T (p.Pro560Ser)

Gene: AASS (aminoadipate-semialdehyde synthase; minus strand). Cytogenetic location: 7q31.32.
Variant type: single nucleotide variant.
Coding change: c.1678C>T on transcript NM_005763.4 (MANE Select); coding-DNA position 1678, C replaced by T.
Protein change: p.Pro560Ser; replaces proline 560 with serine.
Molecular consequence: missense variant.
Genome position (GRCh38, 1-based): chr7:122,093,136, G>A on the plus strand (C>T on the coding strand, the complement: AASS is on the minus strand). VCF-style: chr7-122093136-G-A. GRCh37 (hg19) VCF-style: chr7-121733190-G-A.
Other names: short protein forms P560S.
Identifiers: ClinVar variation 377290 (VCV000377290.43), dbSNP rs74882337, ClinGen allele CA4458256.

ClinVar aggregate classification (germline): Likely benign. Review status: criteria provided, multiple submitters, no conflicts (2 of 4 stars). 7 submissions from 7 submitters: Likely benign (5). 2 of the submissions do not count toward it. Last evaluated 2025-12-21.

Conditions:
AASS-related disorder. Also called: AASS-related condition.
Hyperlysinemia. Also called: Hyperlysinemias. Identifiers: Orphanet 2203, MedGen C0268553, MONDO:0009388, HP:0002161.

Allele frequency attached by ClinVar (database versions not stated): 1000 Genomes Project 30x 0.00172; 1000 Genomes Project 0.00200; gnomAD exomes 0.00384 and 0.00632; ExAC 0.00390; gnomAD 0.00425 and 0.00469; TOPMed 0.00448; ESP Exome Variant Server 0.00561.
gnomAD v4.1: 9,781 of 1,613,710 alleles (0.61%); highest among the groups gnomAD compares: Non-Finnish European, 0.76%; 40 homozygotes.

Submissions (7):

Labcorp Genetics (formerly Invitae), Labcorp
Classification: Likely benign. Last evaluated: 2025-12-21. Review status: criteria provided, single submitter. Criteria: Invitae Variant Classification Sherloc (09022015). Collection method: clinical testing. Allele origin: germline.

CeGaT Center for Human Genetics Tuebingen
Classification: Likely benign. Last evaluated: 2025-08-01. Review status: criteria provided, single submitter. Criteria: CeGaT Center For Human Genetics Tuebingen Variant Classification Criteria Version 2. Collection method: clinical testing. Allele origin: germline. Affected: yes. Observed: 9 variant alleles.
Comment: AASS: BS2

Fulgent Genetics
Classification: Likely benign for HYPERLYSINEMIA, TYPE I. Last evaluated: 2021-10-20. Review status: criteria provided, single submitter. Criteria: ACMG Guidelines, 2015. Collection method: clinical testing. Allele origin: unknown.

Center for Pediatric Genomic Medicine, Children's Mercy Hospital and Clinics
Classification: Likely benign. Last evaluated: 2016-11-07. Review status: criteria provided, single submitter. Criteria: ACMG Guidelines, 2015. Collection method: clinical testing. Allele origin: germline.
ClinVar note: Converted during submission from Likely Benign to Likely benign.

Breakthrough Genomics
Classification: Likely benign. Review status: criteria provided, single submitter. Criteria: ACMG Guidelines, 2015. Collection method: not provided. Allele origin: germline. Inheritance: Autosomal recessive inheritance. Affected: yes.

PreventionGenetics, part of Exact Sciences
Classification: Benign for AASS-related condition. Last evaluated: 2019-05-09. Review status: no assertion criteria provided. Collection method: clinical testing. Allele origin: germline. Not counted in ClinVar's aggregate classification.
Comment: This variant is classified as benign based on ACMG/AMP sequence variant interpretation guidelines (Richards et al. 2015 PMID: 25741868, with internal and published modifications).

Mayo Clinic Laboratories, Mayo Clinic
Classification: Uncertain significance. Last evaluated: 2016-03-08. Review status: no assertion criteria provided. Collection method: clinical testing. Allele origin: unknown. Not counted in ClinVar's aggregate classification.